The following is an entry in ClinVar:

ClinVar aggregate classification (germline): Benign. Review status: criteria provided, multiple submitters, no conflicts (2 of 4 stars). 3 submissions from 3 submitters: Benign (2). 1 of the submissions does not count toward it. Last evaluated 2026-02-04.

Conditions:
LARS1-related disorder. Also called: LARS1-related condition.

Allele frequency attached by ClinVar (database versions not stated): 1000 Genomes Project 0.04253; 1000 Genomes Project 30x 0.04341; TOPMed 0.06012; gnomAD 0.06184 and 0.06292; ESP Exome Variant Server 0.06835.
gnomAD v4.1: 106,883 of 1,609,956 alleles (6.6%); highest among the groups gnomAD compares: Non-Finnish European, 7.1%; 3,975 homozygotes.

Submissions 1 to 31 of 106:

Labcorp Genetics (formerly Invitae), Labcorp
Classification: Benign. Last evaluated: 2026-02-04. Review status: criteria provided, single submitter. Criteria: Invitae Variant Classification Sherloc (09022015). Collection method: clinical testing. Allele origin: germline.

GeneDx
Classification: Benign. Last evaluated: 2013-11-15. Review status: criteria provided, single submitter. Criteria: GeneDx Variant Classification (06012015). Collection method: clinical testing. Allele origin: germline. Affected: yes.
Comment: This variant is considered likely benign or benign based on one or more of the following criteria: it is a conservative change, it occurs at a poorly conserved position in the protein, it is predicted to be benign by multiple in silico algorithms, and/or has population frequency not consistent with disease.

PreventionGenetics, part of Exact Sciences
Classification: Benign for LARS1-related condition. Last evaluated: 2019-11-15. Review status: no assertion criteria provided. Collection method: clinical testing. Allele origin: germline. Not counted in ClinVar's aggregate classification.
Comment: This variant is classified as benign based on ACMG/AMP sequence variant interpretation guidelines (Richards et al. 2015 PMID: 25741868, with internal and published modifications).

Dr. Peter K. Rogan Lab, Western University
No classification provided (evidence only). Condition: Familial cancer of breast. Review status: no classification provided. Collection method: in vitro. Allele origin: not applicable. Functional consequence: retained intron. Not counted in ClinVar's aggregate classification.

Dr. Peter K. Rogan Lab, Western University
No classification provided (evidence only). Condition: Acute myeloid leukemia. Review status: no classification provided. Collection method: in vitro. Allele origin: not applicable. Functional consequence: retained intron. Not counted in ClinVar's aggregate classification.

Dr. Peter K. Rogan Lab, Western University
No classification provided (evidence only). Condition: Acute myeloid leukemia. Review status: no classification provided. Collection method: in vitro. Allele origin: not applicable. Functional consequence: retained intron. Not counted in ClinVar's aggregate classification.

Dr. Peter K. Rogan Lab, Western University
No classification provided (evidence only). Condition: Acute myeloid leukemia. Review status: no classification provided. Collection method: in vitro. Allele origin: not applicable. Functional consequence: retained intron. Not counted in ClinVar's aggregate classification.

Dr. Peter K. Rogan Lab, Western University
No classification provided (evidence only). Condition: Acute myeloid leukemia. Review status: no classification provided. Collection method: in vitro. Allele origin: not applicable. Functional consequence: retained intron. Not counted in ClinVar's aggregate classification.

Dr. Peter K. Rogan Lab, Western University
No classification provided (evidence only). Condition: Acute myeloid leukemia. Review status: no classification provided. Collection method: in vitro. Allele origin: not applicable. Functional consequence: retained intron. Not counted in ClinVar's aggregate classification.

Dr. Peter K. Rogan Lab, Western University
No classification provided (evidence only). Condition: Acute myeloid leukemia. Review status: no classification provided. Collection method: in vitro. Allele origin: not applicable. Functional consequence: retained intron. Not counted in ClinVar's aggregate classification.

Dr. Peter K. Rogan Lab, Western University
No classification provided (evidence only). Condition: Acute myeloid leukemia. Review status: no classification provided. Collection method: in vitro. Allele origin: not applicable. Functional consequence: retained intron. Not counted in ClinVar's aggregate classification.

Dr. Peter K. Rogan Lab, Western University
No classification provided (evidence only). Condition: Acute myeloid leukemia. Review status: no classification provided. Collection method: in vitro. Allele origin: not applicable. Functional consequence: retained intron. Not counted in ClinVar's aggregate classification.

Dr. Peter K. Rogan Lab, Western University
No classification provided (evidence only). Condition: Acute myeloid leukemia. Review status: no classification provided. Collection method: in vitro. Allele origin: not applicable. Functional consequence: retained intron. Not counted in ClinVar's aggregate classification.

Dr. Peter K. Rogan Lab, Western University
No classification provided (evidence only). Condition: Acute myeloid leukemia. Review status: no classification provided. Collection method: in vitro. Allele origin: not applicable. Functional consequence: retained intron. Not counted in ClinVar's aggregate classification.

Dr. Peter K. Rogan Lab, Western University
No classification provided (evidence only). Condition: Acute myeloid leukemia. Review status: no classification provided. Collection method: in vitro. Allele origin: not applicable. Functional consequence: retained intron. Not counted in ClinVar's aggregate classification.

Dr. Peter K. Rogan Lab, Western University
No classification provided (evidence only). Condition: Acute myeloid leukemia. Review status: no classification provided. Collection method: in vitro. Allele origin: not applicable. Functional consequence: retained intron. Not counted in ClinVar's aggregate classification.

Dr. Peter K. Rogan Lab, Western University
No classification provided (evidence only). Condition: Acute myeloid leukemia. Review status: no classification provided. Collection method: in vitro. Allele origin: not applicable. Functional consequence: retained intron. Not counted in ClinVar's aggregate classification.

Dr. Peter K. Rogan Lab, Western University
No classification provided (evidence only). Condition: Acute myeloid leukemia. Review status: no classification provided. Collection method: in vitro. Allele origin: not applicable. Functional consequence: retained intron. Not counted in ClinVar's aggregate classification.

Dr. Peter K. Rogan Lab, Western University
No classification provided (evidence only). Condition: Acute myeloid leukemia. Review status: no classification provided. Collection method: in vitro. Allele origin: not applicable. Functional consequence: retained intron. Not counted in ClinVar's aggregate classification.

Dr. Peter K. Rogan Lab, Western University
No classification provided (evidence only). Condition: Acute myeloid leukemia. Review status: no classification provided. Collection method: in vitro. Allele origin: not applicable. Functional consequence: retained intron. Not counted in ClinVar's aggregate classification.

Dr. Peter K. Rogan Lab, Western University
No classification provided (evidence only). Condition: Acute myeloid leukemia. Review status: no classification provided. Collection method: in vitro. Allele origin: not applicable. Functional consequence: retained intron. Not counted in ClinVar's aggregate classification.

Dr. Peter K. Rogan Lab, Western University
No classification provided (evidence only). Condition: Acute myeloid leukemia. Review status: no classification provided. Collection method: in vitro. Allele origin: not applicable. Functional consequence: retained intron. Not counted in ClinVar's aggregate classification.

Dr. Peter K. Rogan Lab, Western University
No classification provided (evidence only). Condition: Uterine corpus endometrial carcinoma. Review status: no classification provided. Collection method: in vitro. Allele origin: not applicable. Functional consequence: retained intron. Not counted in ClinVar's aggregate classification.

Dr. Peter K. Rogan Lab, Western University
No classification provided (evidence only). Condition: Uterine corpus endometrial carcinoma. Review status: no classification provided. Collection method: in vitro. Allele origin: not applicable. Functional consequence: retained intron. Not counted in ClinVar's aggregate classification.

Dr. Peter K. Rogan Lab, Western University
No classification provided (evidence only). Condition: Uterine corpus endometrial carcinoma. Review status: no classification provided. Collection method: in vitro. Allele origin: not applicable. Functional consequence: retained intron. Not counted in ClinVar's aggregate classification.

Dr. Peter K. Rogan Lab, Western University
No classification provided (evidence only). Condition: Uterine corpus endometrial carcinoma. Review status: no classification provided. Collection method: in vitro. Allele origin: not applicable. Functional consequence: retained intron. Not counted in ClinVar's aggregate classification.

Dr. Peter K. Rogan Lab, Western University
No classification provided (evidence only). Condition: Uterine corpus endometrial carcinoma. Review status: no classification provided. Collection method: in vitro. Allele origin: not applicable. Functional consequence: retained intron. Not counted in ClinVar's aggregate classification.

Dr. Peter K. Rogan Lab, Western University
No classification provided (evidence only). Condition: Uterine corpus endometrial carcinoma. Review status: no classification provided. Collection method: in vitro. Allele origin: not applicable. Functional consequence: retained intron. Not counted in ClinVar's aggregate classification.

Dr. Peter K. Rogan Lab, Western University
No classification provided (evidence only). Condition: Uterine corpus endometrial carcinoma. Review status: no classification provided. Collection method: in vitro. Allele origin: not applicable. Functional consequence: retained intron. Not counted in ClinVar's aggregate classification.

Dr. Peter K. Rogan Lab, Western University
No classification provided (evidence only). Condition: Uterine corpus endometrial carcinoma. Review status: no classification provided. Collection method: in vitro. Allele origin: not applicable. Functional consequence: retained intron. Not counted in ClinVar's aggregate classification.

Dr. Peter K. Rogan Lab, Western University
No classification provided (evidence only). Condition: Uterine corpus endometrial carcinoma. Review status: no classification provided. Collection method: in vitro. Allele origin: not applicable. Functional consequence: retained intron. Not counted in ClinVar's aggregate classification.

NM_020117.11(LARS1):c.2488-7T>G

Gene: LARS1 (leucyl-tRNA synthetase 1; minus strand). Cytogenetic location: 5q32.
Variant type: single nucleotide variant.
Coding change: c.2488-7T>G on transcript NM_020117.11 (MANE Select); 7 bases into the intron before coding-DNA position 2488, T replaced by G.
Molecular consequence: intron variant.
Genome position (GRCh38, 1-based): chr5:146,130,165, A>C on the plus strand (T>G on the coding strand, the complement: LARS1 is on the minus strand). VCF-style: chr5-146130165-A-C. GRCh37 (hg19) VCF-style: chr5-145509728-A-C.
Other names: c.2326-7T>G (NM_001317965.2); c.2407-7T>G (NM_016460.4); c.2350-7T>G (NM_001317964.2); c.2488-7T>G (NM_020117.10).
Identifiers: ClinVar variation 138090 (VCV000138090.12), dbSNP rs17104268, ClinGen allele CA291890.